The following is an entry in ClinVar:

NM_000336.3(SCNN1B):c.65A>T (p.Tyr22Phe)

Gene: SCNN1B (sodium channel epithelial 1 subunit beta; plus strand). Cytogenetic location: 16p12.2.
Variant type: single nucleotide variant.
Coding change: c.65A>T on transcript NM_000336.3 (MANE Select); coding-DNA position 65, A replaced by T.
Protein change: p.Tyr22Phe; replaces tyrosine 22 with phenylalanine.
Molecular consequence: missense variant.
Genome position (GRCh38, 1-based): chr16:23,348,664, A>T. VCF-style: chr16-23348664-A-T. GRCh37 (hg19) VCF-style: chr16-23359985-A-T.
Other names: c.65A>T, p.Tyr22Phe (NM_001410900.1); short protein forms Y22F.
Identifiers: ClinVar variation 3629503 (VCV003629503.2).
Genomic context (GRCh38, chr16:23,348,664, plus strand): 5'-ACGTGAAGAAGTACCTGCTGAAGGGCCTGCATCGGCTGCAGAAGGGCCCCGGCTACACGT[A>T]CAAGGAGCTGCTGGTGTGGTACTGCGACAACACCAACACCCACGGCCCCAAGCGCATCAT-3'
Protein context (NP_000327.2, residues 12-32): HRLQKGPGYT[Tyr22Phe]KELLVWYCDN

ClinVar aggregate classification (germline): Uncertain significance (1 of 4 stars; one submission).

Submission:

Women's Health and Genetics/Laboratory Corporation of America, LabCorp
Classification: Uncertain significance. Last evaluated: 2024-11-27. Review status: criteria provided, single submitter. Criteria: LabCorp Variant Classification Summary - May 2015. Collection method: clinical testing. Allele origin: germline.
Comment: Variant summary: SCNN1B c.65A>T (p.Tyr22Phe) results in a conservative amino acid change in the encoded protein sequence. Three of five in-silico tools predict a benign effect of the variant on protein function. The variant was absent in 250836 control chromosomes. The available data on variant occurrences in the general population are insufficient to allow any conclusion about variant significance. To our knowledge, no occurrence of c.65A>T in individuals affected with SCNN1B-Related Disorders and no experimental evidence demonstrating its impact on protein function have been reported. No submitters have cited clinical-significance assessments for this variant to ClinVar. Based on the evidence outlined above, the variant was classified as uncertain significance.